The following is an entry in ClinVar:

NM_032409.3(PINK1):c.113C>T (p.Ala38Val)

Gene: PINK1 (PTEN induced kinase 1; plus strand). Cytogenetic location: 1p36.12.
Variant type: single nucleotide variant.
Coding change: c.113C>T on transcript NM_032409.3 (MANE Select); coding-DNA position 113, C replaced by T.
Protein change: p.Ala38Val; replaces alanine 38 with valine.
Molecular consequence: missense variant.
Genome position (GRCh38, 1-based): chr1:20,633,661, C>T. VCF-style: chr1-20633661-C-T. GRCh37 (hg19) VCF-style: chr1-20960154-C-T.
Other names: short protein forms A38V.
Identifiers: ClinVar variation 2724783 (VCV002724783.2), dbSNP rs1275557772, ClinGen allele CA338853539.

ClinVar aggregate classification (germline): Uncertain significance (1 of 4 stars; one submission).

Conditions:
Autosomal recessive early-onset Parkinson disease 6 (PARK6). Also called: PINK1-Related Parkinson Disease; PINK1 Type of Young-Onset Parkinson Disease; PARKINSON DISEASE 6, EARLY-ONSET; PARKINSON DISEASE 6, MODIFIER OF. Identifiers: Orphanet 2828, MedGen C1853833, MONDO:0011613, OMIM 605909.

Allele frequency attached by ClinVar (database versions not stated): gnomAD 0.00001; gnomAD exomes 0.00001; TOPMed 0.00001.
gnomAD v4.1: 16 of 1,345,484 alleles (0.0012%); highest among the groups gnomAD compares: Non-Finnish European, 0.0014%; no homozygotes.

Submission:

Labcorp Genetics (formerly Invitae), Labcorp
Classification: Uncertain significance for Autosomal recessive early-onset Parkinson disease 6. Last evaluated: 2023-08-24. Review status: criteria provided, single submitter. Criteria: Invitae Variant Classification Sherloc (09022015). Collection method: clinical testing. Allele origin: germline.
Comment: In summary, the available evidence is currently insufficient to determine the role of this variant in disease. Therefore, it has been classified as a Variant of Uncertain Significance. An algorithm developed to predict the effect of missense changes on protein structure and function (PolyPhen-2) suggests that this variant¬¨‚Ä†is likely to be tolerated. This variant has not been reported in the literature in individuals affected with PINK1-related conditions. This variant is not present in population databases (gnomAD no frequency). This sequence change replaces alanine, which is neutral and non-polar, with valine, which is neutral and non-polar, at codon 38 of the PINK1 protein (p.Ala38Val).